The following is an entry in ClinVar:

NM_004304.5(ALK):c.4087A>C (p.Thr1363Pro)

Gene: ALK (ALK receptor tyrosine kinase; minus strand). Cytogenetic location: 2p23.2.
Variant type: single nucleotide variant.
Coding change: c.4087A>C on transcript NM_004304.5 (MANE Select); coding-DNA position 4087, A replaced by C.
Protein change: p.Thr1363Pro; replaces threonine 1363 with proline.
Molecular consequence: missense variant.
Genome position (GRCh38, 1-based): chr2:29,196,847, T>G on the plus strand (A>C on the coding strand, the complement: ALK is on the minus strand). VCF-style: chr2-29196847-T-G. GRCh37 (hg19) VCF-style: chr2-29419713-T-G.
Other names: c.883A>C, p.Thr295Pro (NM_001353765.2); short protein forms T1363P, T295P.
Identifiers: ClinVar variation 1737671 (VCV001737671.2), dbSNP rs2148141965, ClinGen allele CA346465504.

ClinVar aggregate classification (germline): Uncertain significance (1 of 4 stars; one submission).

Conditions:
Hereditary cancer-predisposing syndrome. Also called: Neoplastic Syndromes, Hereditary; Tumor predisposition; Hereditary Cancer Syndrome; Hereditary neoplastic syndrome. Identifiers: Orphanet 140162, MedGen C0027672, MeSH D009386, MONDO:0015356.

Submission:

Ambry Genetics
Classification: Uncertain significance for Hereditary cancer-predisposing syndrome. Last evaluated: 2020-07-14. Review status: criteria provided, single submitter. Criteria: Ambry Variant Classification Scheme 2023. Collection method: clinical testing. Allele origin: germline.
Comment: The p.T1363P variant (also known as c.4087A>C), located in coding exon 28 of the ALK gene, results from an A to C substitution at nucleotide position 4087. The threonine at codon 1363 is replaced by proline, an amino acid with highly similar properties. This amino acid position is highly conserved in available vertebrate species. In addition, this alteration is predicted to be deleterious by in silico analysis. Since supporting evidence is limited at this time, the clinical significance of this alteration remains unclear.